The following is an entry in ClinVar:

ClinVar aggregate classification (germline): Conflicting classifications of pathogenicity. Review status: criteria provided, conflicting classifications (1 of 4 stars). 9 submissions from 9 submitters: Uncertain significance (1); Benign (1); Likely benign (7). Last evaluated 2026-04-01.

Conditions:
Cardiomyopathy (CMYO). Also called: Cardiomyopathies. Identifiers: Orphanet 167848, MedGen C0878544, MONDO:0004994, HP:0001638. Inheritance: Various modes of inheritance.
Arrhythmogenic cardiomyopathy with wooly hair and keratoderma. Also called: PALMOPLANTAR KERATODERMA WITH LEFT VENTRICULAR CARDIOMYOPATHY AND WOOLLY HAIR; Carvajal syndrome; Dilated cardiomyopathy with woolly hair and keratoderma; Arrhythmogenic cardiomyopathy with woolly hair and keratoderma. Identifiers: Orphanet 65282, MedGen C1854063, MONDO:0011581, OMIM 605676.
DSP-related disorder. Also called: DSP-related condition; DSP-related disorders.
Arrhythmogenic right ventricular dysplasia 8 (ARVD8). Also called: Arrhythmogenic Right Ventricular Dysplasia/Cardiomyopathy 8; ARRHYTHMOGENIC RIGHT VENTRICULAR DYSPLASIA, FAMILIAL, 8; ARRHYTHMOGENIC RIGHT VENTRICULAR CARDIOMYOPATHY 8. Identifiers: MedGen C1843896, MONDO:0011831, OMIM 607450.

Allele frequency attached by ClinVar (database versions not stated): gnomAD 0.00010 and 0.00012; 1000 Genomes Project 30x 0.00016; 1000 Genomes Project 0.00020; TOPMed 0.00025.
gnomAD v4.1: 164 of 1,610,936 alleles (0.01%); highest among the groups gnomAD compares: East Asian, 0.082%; 1 homozygote.

Submissions (9):

CeGaT Center for Human Genetics Tuebingen
Classification: Likely benign. Last evaluated: 2026-04-01. Review status: criteria provided, single submitter. Criteria: CeGaT Center For Human Genetics Tuebingen Variant Classification Criteria Version 2. Collection method: clinical testing. Allele origin: germline. Affected: yes. Observed: 5 variant alleles.
Comment: DSP: BP4

PreventionGenetics, part of Exact Sciences
Classification: Likely benign for DSP-related condition. Last evaluated: 2026-01-21. Review status: criteria provided, single submitter. Criteria: ACMG Guidelines, 2015. Collection method: clinical testing. Allele origin: germline.
Comment: This variant is classified as likely benign based on ACMG/AMP sequence variant interpretation guidelines (Richards et al. 2015 PMID: 25741868, with internal and published modifications).

Labcorp Genetics (formerly Invitae), Labcorp
Classification: Likely benign for Arrhythmogenic cardiomyopathy with wooly hair and keratoderma; Arrhythmogenic right ventricular dysplasia 8. Last evaluated: 2025-12-14. Review status: criteria provided, single submitter. Criteria: Invitae Variant Classification Sherloc (09022015). Collection method: clinical testing. Allele origin: germline.

Blueprint Genetics
Classification: Likely benign. Last evaluated: 2024-11-07. Review status: criteria provided, single submitter. Criteria: ACMG Guidelines, 2015. Collection method: clinical testing. Allele origin: germline.

All of Us Research Program, National Institutes of Health
Classification: Likely benign for Arrhythmogenic cardiomyopathy with wooly hair and keratoderma. Last evaluated: 2024-01-11. Review status: criteria provided, single submitter. Criteria: ACMG Guidelines, 2015. Collection method: clinical testing. Allele origin: germline. Inheritance: Autosomal dominant inheritance. Observed: 17 variant alleles, 17 heterozygotes.
Comment: This study involves interpretation of variants in research participants for the purpose of population health screening. Participant phenotype was not available at the time of variant classification. Additional details can be found in publication PMID: 35346344, PMCID: PMC8962531

Women's Health and Genetics/Laboratory Corporation of America, LabCorp
Classification: Benign. Last evaluated: 2021-02-08. Review status: criteria provided, single submitter. Criteria: LabCorp Variant Classification Summary - May 2015. Collection method: clinical testing. Allele origin: germline.
Comment: Variant summary: DSP c.1140+6T>C alters a non-conserved nucleotide located close to a canonical splice site and therefore could affect mRNA splicing, leading to a significantly altered protein sequence. 4/4 computational tools predict no significant impact on normal splicing. However, these predictions have yet to be confirmed by functional studies. The variant allele was found at a frequency of 0.00019 in 250850 control chromosomes, predominantly at a frequency of 0.0011 within the East Asian subpopulation in the gnomAD database. The observed variant frequency within East Asian control individuals in the gnomAD database is approximately 6 fold of the estimated maximal expected allele frequency for a pathogenic variant in DSP causing Arrhythmogenic Right Ventricular Dysplasia/Cardiomyopathy phenotype (0.0002), strongly suggesting that the variant is a benign polymorphism found primarily in populations of East Asian origin. To our knowledge, no experimental evidence demonstrating its impact on protein function have been reported. Four ClinVar submitters (evaluation after 2014) cite the variant as uncertain significance (n=1) and likely benign (n=3). Based on the evidence outlined above, the variant was classified as benign.

Color Diagnostics, LLC DBA Color Health
Classification: Likely benign for Cardiomyopathy. Last evaluated: 2018-11-08. Review status: criteria provided, single submitter. Criteria: ACMG Guidelines, 2015. Collection method: clinical testing. Allele origin: germline.

Stanford Center for Inherited Cardiovascular Disease, Stanford University
Classification: Uncertain significance. Last evaluated: 2016-12-16. Review status: criteria provided, single submitter. Criteria: ACMG Guidelines, 2015. Collection method: provider interpretation. Allele origin: germline.

GeneDx
Classification: Likely benign. Last evaluated: 2016-08-22. Review status: criteria provided, single submitter. Criteria: GeneDx Variant Classification (06012015). Collection method: clinical testing. Allele origin: germline. Affected: yes.
Comment: This variant is considered likely benign or benign based on one or more of the following criteria: it is a conservative change, it occurs at a poorly conserved position in the protein, it is predicted to be benign by multiple in silico algorithms, and/or has population frequency not consistent with disease.

NM_004415.4(DSP):c.1140+6T>C

Gene: DSP (desmoplakin; plus strand). Cytogenetic location: 6p24.3.
Variant type: single nucleotide variant.
Coding change: c.1140+6T>C on transcript NM_004415.4 (MANE Select); 6 bases into the intron after coding-DNA position 1140, T replaced by C.
Molecular consequence: intron variant.
Genome position (GRCh38, 1-based): chr6:7,567,455, T>C. VCF-style: chr6-7567455-T-C. GRCh37 (hg19) VCF-style: chr6-7567688-T-C.
Other names: c.1140+6T>C (LRG_423t1, NM_001319034.2, NM_001008844.3).
Identifiers: ClinVar variation 382055 (VCV000382055.57), dbSNP rs534740669, ClinGen allele CA027028.